The following is an entry in ClinVar:

ClinVar aggregate classification (germline): Likely pathogenic (1 of 4 stars; one submission).

Conditions:
FGA-related disorder. Also called: FGA-related condition; FGA-related disorders.

Submission:

PreventionGenetics, part of Exact Sciences
Classification: Likely pathogenic for FGA-related condition. Last evaluated: 2022-08-26. Review status: criteria provided, single submitter. Criteria: ACMG Guidelines, 2015. Collection method: clinical testing. Allele origin: germline.
Comment: The FGA c.107G>A variant is predicted to result in the amino acid substitution p.Gly36Asp. This variant is also described using legacy nomenclature as p.Gly17Asp, has been reported in the heterozygous state in individuals with dysfibrinogenemia (Casini et al. 2015. PubMed ID: 25320241). Other missense substitutions at this codon (p.Gly36Val, p.Gly36Ser and p.Gly36Cys) have been reported with individuals with dysfibrinogenemia (Wada et al. 1993. PubMed ID: 8259537; Shapiro et al. 2013. PubMed ID: 23061815; Brennan et al. 2015. PubMed ID: 26083984) suggesting that substitution of amino acid residue p.Gly36 is not tolerated. This variant has not been reported in a large population database, indicating this variant is rare. This variant is interpreted as likely pathogenic.

NM_021871.4(FGA):c.107G>A (p.Gly36Asp)

Gene: FGA (fibrinogen alpha chain; minus strand). Cytogenetic location: 4q31.3.
Variant type: single nucleotide variant.
Coding change: c.107G>A on transcript NM_021871.4 (MANE Select); coding-DNA position 107, G replaced by A.
Protein change: p.Gly36Asp; replaces glycine 36 with aspartic acid.
Molecular consequence: missense variant.
Genome position (GRCh38, 1-based): chr4:154,589,510, C>T on the plus strand (G>A on the coding strand, the complement: FGA is on the minus strand). VCF-style: chr4-154589510-C-T. GRCh37 (hg19) VCF-style: chr4-155510662-C-T.
Other names: c.107G>A, p.Gly36Asp (NM_000508.5); short protein forms G36D.
Identifiers: ClinVar variation 2636392 (VCV002636392.1), dbSNP rs2530830192, ClinGen allele CA358533899.
Genomic context (GRCh38, chr4:154,589,510, plus strand): 5'-GAGCAGAAGGGCCAGTCTGAATCTTTGCAGGCAGATTGATGTCTTTCCACAACCCTTGGG[C>T]CACGCACGCCTCCTCCTTCAGCTAGAAAGTCACCTTCACCACTATCTGCAGTCTTTAAAG-3'
Protein context (NP_068657.1, residues 26-46): DFLAEGGGVR[Gly36Asp]PRVVERHQSA